The following is an entry in ClinVar:

NM_005228.5(EGFR):c.2700C>T (p.Tyr900=)

Gene: EGFR (epidermal growth factor receptor; plus strand). Cytogenetic location: 7p11.2.
Variant type: single nucleotide variant.
Coding change: c.2700C>T on transcript NM_005228.5 (MANE Select); coding-DNA position 2700, C replaced by T.
Protein change: p.Tyr900=; no amino-acid change (tyrosine 900 retained).
Molecular consequence: synonymous variant.
Genome position (GRCh38, 1-based): chr7:55,192,840, C>T. VCF-style: chr7-55192840-C-T. GRCh37 (hg19) VCF-style: chr7-55260533-C-T.
Other names: c.2700C>T (NM_005228.4); c.2565C>T, p.Tyr855= (NM_001346897.2, NM_001346899.2); c.2700C>T, p.Tyr900= (NM_001346898.2); c.2541C>T, p.Tyr847= (NM_001346900.2); c.1899C>T, p.Tyr633= (NM_001346941.2).
Identifiers: ClinVar variation 846240 (VCV000846240.11), dbSNP rs530256683, ClinGen allele CA4266146.

ClinVar aggregate classification (germline): Benign/Likely benign. Review status: criteria provided, multiple submitters, no conflicts (2 of 4 stars). 4 submissions from 4 submitters: Benign (1); Likely benign (3). Last evaluated 2025-12-28.

Conditions:
EGFR-related disorder. Also called: EGFR-related condition.
Hereditary cancer-predisposing syndrome. Also called: Neoplastic Syndromes, Hereditary; Hereditary Cancer Syndrome; Tumor predisposition; Hereditary neoplastic syndrome. Identifiers: Orphanet 140162, MedGen C0027672, MeSH D009386, MONDO:0015356.
EGFR-related lung cancer (EGFR). Identifiers: MedGen CN130014.

Allele frequency attached by ClinVar (database versions not stated): ExAC 0.00002; gnomAD exomes 0.00002 and 0.00003; gnomAD 0.00011; TOPMed 0.00025; 1000 Genomes Project 30x 0.00031; 1000 Genomes Project 0.00040.
gnomAD v4.1: 41 of 1,614,058 alleles (0.0025%); highest among the groups gnomAD compares: African/African-American, 0.023%; no homozygotes.

Submissions (4):

Labcorp Genetics (formerly Invitae), Labcorp
Classification: Benign for EGFR-related lung cancer. Last evaluated: 2025-12-28. Review status: criteria provided, single submitter. Criteria: Invitae Variant Classification Sherloc (09022015). Collection method: clinical testing. Allele origin: germline.

PreventionGenetics, part of Exact Sciences
Classification: Likely benign for EGFR-related condition. Last evaluated: 2025-09-12. Review status: criteria provided, single submitter. Criteria: ACMG Guidelines, 2015. Collection method: clinical testing. Allele origin: germline.
Comment: This variant is classified as likely benign based on ACMG/AMP sequence variant interpretation guidelines (Richards et al. 2015 PMID: 25741868, with internal and published modifications).

Ambry Genetics
Classification: Likely benign for Hereditary cancer-predisposing syndrome. Last evaluated: 2024-11-25. Review status: criteria provided, single submitter. Criteria: Ambry Variant Classification Scheme 2023. Collection method: clinical testing. Allele origin: germline.

Sema4
Classification: Likely benign for Hereditary cancer-predisposing syndrome. Last evaluated: 2021-11-08. Review status: criteria provided, single submitter. Criteria: Sema4 Curation Guidelines. Collection method: curation. Allele origin: germline.